The following is an entry in ClinVar:

ClinVar aggregate classification (germline): Likely benign. Review status: criteria provided, single submitter (1 of 4 stars). 2 submissions from 2 submitters: Likely benign (1). 1 of the submissions does not count toward it. Last evaluated 2024-02-15.

Conditions:
UPK3A-related disorder. Also called: UPK3A-related condition.

Allele frequency attached by ClinVar (database versions not stated): gnomAD 0.00003; gnomAD exomes 0.00003; ExAC 0.00004; TOPMed 0.00005.
gnomAD v4.1: 43 of 1,613,798 alleles (0.0027%); highest among the groups gnomAD compares: Admixed American, 0.0033%; no homozygotes.

Submissions (2):

Blueprint Genetics
Classification: Likely benign. Last evaluated: 2024-02-15. Review status: criteria provided, single submitter. Criteria: ACMG Guidelines, 2015. Collection method: clinical testing. Allele origin: germline.

PreventionGenetics, part of Exact Sciences
Classification: Likely benign for UPK3A-related condition. Last evaluated: 2022-09-20. Review status: no assertion criteria provided. Collection method: clinical testing. Allele origin: germline. Not counted in ClinVar's aggregate classification.
Comment: This variant is classified as likely benign based on ACMG/AMP sequence variant interpretation guidelines (Richards et al. 2015 PMID: 25741868, with internal and published modifications).

NM_006953.4(UPK3A):c.585G>A (p.Ser195=)

Gene: UPK3A (uroplakin 3A; plus strand). Cytogenetic location: 22q13.31.
Variant type: single nucleotide variant.
Coding change: c.585G>A on transcript NM_006953.4 (MANE Select); coding-DNA position 585, G replaced by A.
Protein change: p.Ser195=; no amino-acid change (serine 195 retained).
Molecular consequence: synonymous variant.
Genome position (GRCh38, 1-based): chr22:45,293,194, G>A. VCF-style: chr22-45293194-G-A. GRCh37 (hg19) VCF-style: chr22-45689075-G-A.
Other names: c.222G>A, p.Ser74= (NM_001167574.2).
Identifiers: ClinVar variation 3030096 (VCV003030096.3), dbSNP rs767544217, ClinGen allele CA10284479.